The following continues an entry in ClinVar:

NM_001458.5(FLNC):c.3791-1G>C

Gene: FLNC. ClinVar aggregate classification (germline): Pathogenic/Likely pathogenic. Pathogenic (9); Likely pathogenic (1).

Submissions 9 to 11 of 11:

GeneDx
Classification: Pathogenic. Last evaluated: 2022-09-08. Review status: criteria provided, single submitter. Criteria: GeneDx Variant Classification Process June 2021. Collection method: clinical testing. Allele origin: germline. Affected: yes.
Comment: Not observed at significant frequency in large population cohorts (gnomAD); Canonical splice site variant predicted to result in a null allele in a gene for which loss-of-function is a known mechanism of disease (Shimrit et al., 2020); This variant is associated with the following publications: (PMID: 27896284, 25179549, 25633252, 27908349, 31775751, 32112656, 32532510)

Baylor Genetics
Classification: Pathogenic for Hypertrophic cardiomyopathy 26. Last evaluated: 2022-02-07. Review status: criteria provided, single submitter. Criteria: ACMG Guidelines, 2015. Collection method: clinical testing. Allele origin: unknown.

PreventionGenetics, part of Exact Sciences
Classification: Pathogenic for FLNC-related condition. Last evaluated: 2024-07-03. Review status: no assertion criteria provided. Collection method: clinical testing. Allele origin: germline. Not counted in ClinVar's aggregate classification.
Comment: The FLNC c.3791-1G>C variant is predicted to disrupt the AG splice acceptor site and interfere with normal splicing. This variant has been reported in several individuals with variable cardiac syndromes (Deo et al. 2014. PubMed ID: 25633252; Golbus et al. 2014. PubMed ID: 25179549; Oz et al. 2020. PubMed ID: 32532510). This variant was reported in two unrelated families with arrhythmogenic dilated cardiomyopathy and family history of sudden death (See family 27103 and family 48102 in Ortiz-Genga et al. 2016. PubMed ID: 27908349). This variant has also been reported to segregate with variable expression of arrhythmogenic cardiomyopathy in three unrelated Ashkenazi Jewish families as well (Oz et al. 2020. PubMed ID: 32532510). In this study, RNA analysis indicated a reduction in FLNC transcript and the authors suggest a haploinsufficiency genetic mechanism. In addition, a different nucleotide change at the same position (c.3791-1G>A) has also been observed in several individuals with arrhythmogenic dilated cardiomyopathy (Ortiz-Genga et al. 2016. PubMed ID: 27908349; Begay et al. 2018. PubMed ID: 30067491). This variant is reported in 0.020% of alleles in individuals of Ashkenazi Jewish descent in gnomAD. Variants that disrupt the consensus splice acceptor site in FLNC are expected to be pathogenic. This variant is interpreted as pathogenic.

Literature cited by the submitters: PubMed 16199547 (cited by Labcorp Genetics (formerly Invitae), Labcorp); PubMed 27908349 (cited by 5 submitters); PubMed 25633252 (cited by 5 submitters); PubMed 25179549 (cited by 3 submitters); PubMed 32112656 (cited by Victorian Clinical Genetics Services, Murdoch Childrens Research Institute); PubMed 31627847 (cited by Victorian Clinical Genetics Services, Murdoch Childrens Research Institute); PubMed 30067491 (cited by 3 submitters); PubMed 32532510 (cited by 3 submitters); PubMed 27896284 (cited by Ambry Genetics); PubMed 28416588 (cited by Ambry Genetics); PubMed 36129056 (cited by New York Genome Center); PubMed 3253251 (cited by New York Genome Center).